The following is an entry in ClinVar:

ClinVar aggregate classification (germline): Uncertain significance (1 of 4 stars; one submission).

gnomAD v4.1: 22 of 1,538,670 alleles (0.0014%); highest among the groups gnomAD compares: East Asian, 0.034%; no homozygotes.

Submission:

Women's Health and Genetics/Laboratory Corporation of America, LabCorp
Classification: Uncertain significance. Last evaluated: 2024-11-19. Review status: criteria provided, single submitter. Criteria: LabCorp Variant Classification Summary - May 2015. Collection method: clinical testing. Allele origin: germline.
Comment: Variant summary: NOTCH3 c.6572C>T (p.Pro2191Leu) results in a non-conservative amino acid change in the encoded protein sequence. Four of five in-silico tools predict a benign effect of the variant on protein function. The variant allele was found at a frequency of 2.1e-05 in 141246 control chromosomes, predominantly at a frequency of 8.5e-05 within the East Asian subpopulation in the gnomAD database. The available data on variant occurrences in the general population are insufficient to allow any conclusion about variant significance. c.6572C>T has been reported in the literature in one individual affected with Alzheimer's disease, without strong evidence for causality (Guo_2021). These report(s) do not provide unequivocal conclusions about association of the variant with Cerebral arteriopathy, autosomal dominant, with subcortical infarcts and leukoencephalopathy, type 1. To our knowledge, no experimental evidence demonstrating an impact on protein function has been reported. The following publication has been ascertained in the context of this evaluation (PMID: 33942994). No submitters have cited clinical-significance assessments for this variant to ClinVar. Based on the evidence outlined above, the variant was classified as uncertain significance.

Literature cited by the submitters: PubMed 33942994.

NM_000435.3(NOTCH3):c.6572C>T (p.Pro2191Leu)

Gene: NOTCH3 (notch receptor 3; minus strand). Cytogenetic location: 19p13.12.
Variant type: single nucleotide variant.
Coding change: c.6572C>T on transcript NM_000435.3 (MANE Select); coding-DNA position 6572, C replaced by T.
Protein change: p.Pro2191Leu; replaces proline 2191 with leucine.
Molecular consequence: missense variant.
Genome position (GRCh38, 1-based): chr19:15,161,056, G>A on the plus strand (C>T on the coding strand, the complement: NOTCH3 is on the minus strand). VCF-style: chr19-15161056-G-A. GRCh37 (hg19) VCF-style: chr19-15271867-G-A.
Other names: short protein forms P2191L.
Identifiers: ClinVar variation 3629977 (VCV003629977.1).